The following is an entry in ClinVar:

ClinVar aggregate classification (germline): Likely benign (1 of 4 stars; one submission).

gnomAD v4.1: 404 of 1,611,368 alleles (0.025%); highest among the groups gnomAD compares: South Asian, 0.39%; 3 homozygotes.

Submission:

CeGaT Center for Human Genetics Tuebingen
Classification: Likely benign. Last evaluated: 2026-02-01. Review status: criteria provided, single submitter. Criteria: CeGaT Center For Human Genetics Tuebingen Variant Classification Criteria Version 2. Collection method: clinical testing. Allele origin: germline. Affected: yes. Observed: 1 variant allele.
Comment: MAPK8IP3: BP4, BP7

NM_001318852.2(MAPK8IP3):c.2796G>A (p.Pro932=)

Gene: MAPK8IP3 (mitogen-activated protein kinase 8 interacting protein 3; plus strand). Cytogenetic location: 16p13.3.
Variant type: single nucleotide variant.
Coding change: c.2796G>A on transcript NM_001318852.2 (MANE Select); coding-DNA position 2796, G replaced by A.
Protein change: p.Pro932=; no amino-acid change (proline 932 retained).
Molecular consequence: synonymous variant.
Genome position (GRCh38, 1-based): chr16:1,766,386, G>A. VCF-style: chr16-1766386-G-A. GRCh37 (hg19) VCF-style: chr16-1816387-G-A.
Other names: c.2775G>A, p.Pro925= (NM_001040439.2); c.2793G>A, p.Pro931= (NM_015133.5).
Identifiers: ClinVar variation 4821855 (VCV004821855.4).